The following is an entry in ClinVar:

ClinVar aggregate classification (germline): Benign/Likely benign. Review status: criteria provided, multiple submitters, no conflicts (2 of 4 stars). 4 submissions from 4 submitters: Benign (1); Likely benign (2). 1 of the submissions does not count toward it. Last evaluated 2026-01-06.

Conditions:
IL12RB2-related disorder. Also called: IL12RB2-related condition.

Allele frequency attached by ClinVar (database versions not stated): gnomAD exomes 0.00018 and 0.00057; ExAC 0.00071; ESP Exome Variant Server 0.00169; gnomAD 0.00208 and 0.00218; TOPMed 0.00236; 1000 Genomes Project 0.00280; 1000 Genomes Project 30x 0.00281.
gnomAD v4.1: 583 of 1,610,876 alleles (0.036%); highest among the groups gnomAD compares: African/African-American, 0.73%; 2 homozygotes.

Submissions (4):

Labcorp Genetics (formerly Invitae), Labcorp
Classification: Benign. Last evaluated: 2026-01-06. Review status: criteria provided, single submitter. Criteria: Invitae Variant Classification Sherloc (09022015). Collection method: clinical testing. Allele origin: germline.

Blueprint Genetics
Classification: Likely benign. Last evaluated: 2024-10-31. Review status: criteria provided, single submitter. Criteria: ACMG Guidelines, 2015. Collection method: clinical testing. Allele origin: germline.

CeGaT Center for Human Genetics Tuebingen
Classification: Likely benign. Last evaluated: 2022-03-01. Review status: criteria provided, single submitter. Criteria: CeGaT Center For Human Genetics Tuebingen Variant Classification Criteria Version 2. Collection method: clinical testing. Allele origin: germline. Affected: yes. Observed: 1 variant allele.
Comment: IL12RB2: BP4, BP7

PreventionGenetics, part of Exact Sciences
Classification: Benign for IL12RB2-related condition. Last evaluated: 2024-08-14. Review status: no assertion criteria provided. Collection method: clinical testing. Allele origin: germline. Not counted in ClinVar's aggregate classification.
Comment: This variant is classified as benign based on ACMG/AMP sequence variant interpretation guidelines (Richards et al. 2015 PMID: 25741868, with internal and published modifications).

NM_001374259.2(IL12RB2):c.2409C>T (p.Ser803=)

Gene: IL12RB2 (interleukin 12 receptor subunit beta 2; plus strand). Cytogenetic location: 1p31.3.
Variant type: single nucleotide variant.
Coding change: c.2409C>T on transcript NM_001374259.2 (MANE Select); coding-DNA position 2409, C replaced by T.
Protein change: p.Ser803=; no amino-acid change (serine 803 retained).
Molecular consequence: synonymous variant. On other transcripts: 3 prime UTR variant (3), non-coding transcript variant (2).
Genome position (GRCh38, 1-based): chr1:67,395,909, C>T. VCF-style: chr1-67395909-C-T. GRCh37 (hg19) VCF-style: chr1-67861592-C-T.
Other names: c.*329C>T (NM_001258214.1, NM_001319233.1); c.2151C>T, p.Ser717= (NM_001258215.1); c.*310C>T (NM_001258216.1); c.2409C>T, p.Ser803= (NM_001559.3); c.2409C>T (NM_001559.2).
Identifiers: ClinVar variation 1534607 (VCV001534607.40), dbSNP rs138205538, ClinGen allele CA900723.